The following is an entry in ClinVar:

ClinVar aggregate classification (germline): Likely benign. Review status: criteria provided, multiple submitters, no conflicts (2 of 4 stars). 3 submissions from 3 submitters: Likely benign (3). Last evaluated 2025-07-21.

Conditions:
Ritscher-Schinzel syndrome. Also called: CRANIOCEREBELLOCARDIAC DYSPLASIA. Identifiers: Orphanet 7, MedGen C0796137, MONDO:0019078.
Hereditary spastic paraplegia 8 (SPG8). Also called: SPASTIC PARAPLEGIA 8, AUTOSOMAL DOMINANT. Identifiers: Orphanet 100989, MedGen C1863704, MONDO:0011339, OMIM 603563.

Allele frequency attached by ClinVar (database versions not stated): gnomAD exomes 0.00018; ExAC 0.00020; 1000 Genomes Project 0.00060; 1000 Genomes Project 30x 0.00062; ESP Exome Variant Server 0.00062; gnomAD 0.00068 and 0.00073; TOPMed 0.00073.
gnomAD v4.1: 199 of 1,536,542 alleles (0.013%); highest among the groups gnomAD compares: African/African-American, 0.21%; no homozygotes.

Submissions (3):

Labcorp Genetics (formerly Invitae), Labcorp
Classification: Likely benign for Ritscher-Schinzel syndrome; Hereditary spastic paraplegia 8. Last evaluated: 2025-07-21. Review status: criteria provided, single submitter. Criteria: Invitae Variant Classification Sherloc (09022015). Collection method: clinical testing. Allele origin: germline.

Blueprint Genetics
Classification: Likely benign. Last evaluated: 2023-07-10. Review status: criteria provided, single submitter. Criteria: ACMG Guidelines, 2015. Collection method: clinical testing. Allele origin: germline.

GeneDx
Classification: Likely benign. Last evaluated: 2016-08-30. Review status: criteria provided, single submitter. Criteria: GeneDx Variant Classification (06012015). Collection method: clinical testing. Allele origin: germline. Affected: yes.
Comment: This variant is considered likely benign or benign based on one or more of the following criteria: it is a conservative change, it occurs at a poorly conserved position in the protein, it is predicted to be benign by multiple in silico algorithms, and/or has population frequency not consistent with disease.

NM_014846.4(WASHC5):c.3181+4C>T

Gene: WASHC5 (WASH complex subunit 5; minus strand). Cytogenetic location: 8q24.13.
Variant type: single nucleotide variant.
Coding change: c.3181+4C>T on transcript NM_014846.4 (MANE Select); 4 bases into the intron after coding-DNA position 3181, C replaced by T.
Molecular consequence: intron variant.
Genome position (GRCh38, 1-based): chr8:125,037,233, G>A on the plus strand (C>T on the coding strand, the complement: WASHC5 is on the minus strand). VCF-style: chr8-125037233-G-A. GRCh37 (hg19) VCF-style: chr8-126049475-G-A.
Other names: c.2737+4C>T (NM_001330609.2).
Identifiers: ClinVar variation 389009 (VCV000389009.13), dbSNP rs372154199, ClinGen allele CA4873299.
Genomic context (GRCh38, chr8:125,037,233, plus strand): 5'-TATTTAGTTAAATGTTAATCTGTTGGTATTGTTACTCATTGCAAATAATAAATGTTATAC[G>A]TACCCAGATTTTTGTTGTATTGAAGTTTTGGCAACTGAGCGATCAAAAATAGAAAGTTTA-3'